The following is an entry in ClinVar:

ClinVar aggregate classification (germline): Pathogenic. Review status: criteria provided, multiple submitters, no conflicts (2 of 4 stars). 2 submissions from 2 submitters: Pathogenic (2). Last evaluated 2022-08-22.

Conditions:
COL4A4-related disorder.

gnomAD v4.1: 7 of 1,613,970 alleles (0.00043%); highest among the groups gnomAD compares: Non-Finnish European, 0.00042%; no homozygotes.

Submissions (2):

Labcorp Genetics (formerly Invitae), Labcorp
Classification: Pathogenic. Last evaluated: 2022-08-22. Review status: criteria provided, single submitter. Criteria: Invitae Variant Classification Sherloc (09022015). Collection method: clinical testing. Allele origin: germline.
Comment: For these reasons, this variant has been classified as Pathogenic. Algorithms developed to predict the effect of sequence changes on RNA splicing suggest that this variant may disrupt the consensus splice site. Disruption of this splice site has been observed in individual(s) with autosomal recessive Alport syndrome (PMID: 24052634). In at least one individual the data is consistent with being in trans (on the opposite chromosome) from a pathogenic variant. This variant is not present in population databases (gnomAD no frequency). This sequence change affects a donor splice site in intron 18 of the COL4A4 gene. It is expected to disrupt RNA splicing. Variants that disrupt the donor or acceptor splice site typically lead to a loss of protein function (PMID: 16199547), and loss-of-function variants in COL4A4 are known to be pathogenic (PMID: 21196518, 24854265, 25307543).

Blueprint Genetics
Classification: Pathogenic for COL4A4-related disorders. Last evaluated: 2021-10-06. Review status: criteria provided, single submitter. Criteria: ACMG Guidelines, 2015. Collection method: clinical testing. Allele origin: germline. Affected: yes. Observed: 1 variant allele.

Literature cited by the submitters: PubMed 24052634 (cited by Labcorp Genetics (formerly Invitae), Labcorp); PubMed 16199547 (cited by Labcorp Genetics (formerly Invitae), Labcorp); PubMed 21196518 (cited by Labcorp Genetics (formerly Invitae), Labcorp); PubMed 24854265 (cited by Labcorp Genetics (formerly Invitae), Labcorp); PubMed 25307543 (cited by Labcorp Genetics (formerly Invitae), Labcorp).

NM_000092.5(COL4A4):c.1099+1G>A

Gene: COL4A4 (collagen type IV alpha 4 chain; minus strand). Cytogenetic location: 2q36.3.
Variant type: single nucleotide variant.
Coding change: c.1099+1G>A on transcript NM_000092.5 (MANE Select); the canonical splice donor site of the intron after coding-DNA position 1099, G replaced by A.
Molecular consequence: splice donor variant.
Genome position (GRCh38, 1-based): chr2:227,099,619, C>T on the plus strand (G>A on the coding strand, the complement: COL4A4 is on the minus strand). VCF-style: chr2-227099619-C-T. GRCh37 (hg19) VCF-style: chr2-227964335-C-T.
Identifiers: ClinVar variation 2203275 (VCV002203275.5), dbSNP rs1372782305, ClinGen allele CA350854603.